The following is an entry in ClinVar:

ClinVar aggregate classification (germline): Pathogenic (1 of 4 stars; one submission).

Allele frequency attached by ClinVar (database versions not stated): gnomAD exomes 0.00001; TOPMed 0.00002.

Submission:

Labcorp Genetics (formerly Invitae), Labcorp
Classification: Pathogenic. Last evaluated: 2022-12-15. Review status: criteria provided, single submitter. Criteria: Invitae Variant Classification Sherloc (09022015). Collection method: clinical testing. Allele origin: germline.
Comment: This sequence change creates a premature translational stop signal (p.Gly311Valfs*5) in the REL gene. It is expected to result in an absent or disrupted protein product. Loss-of-function variants in REL are known to be pathogenic (PMID: 31103457, 34623332). This variant is present in population databases (rs746603120, gnomAD 0.003%). For these reasons, this variant has been classified as Pathogenic. This variant has not been reported in the literature in individuals affected with REL-related conditions.

Literature cited by the submitters: PubMed 31103457; PubMed 34623332.

NM_001291746.2(REL):c.923-184_923-183del

Gene: REL (REL proto-oncogene, NF-kB subunit; plus strand). Cytogenetic location: 2p16.1.
Variant type: Deletion.
Coding change: c.923-184_923-183del on transcript NM_001291746.2 (MANE Select); 184 bases into the intron before coding-DNA position 923 through 183 bases into the intron before coding-DNA position 923, 2 bases deleted (AG; older notation c.923-184_923-183delAG).
Molecular consequence: intron variant. On other transcripts: frameshift variant (1).
Genome position (GRCh38, 1-based): chr2:60,920,390-60,920,391, AG deleted. VCF-style (leftmost placement, unchanged base first): chr2-60920389-CAG-C. GRCh37 (hg19) VCF-style: chr2-61147524-CAG-C.
Other names: c.930_931del, p.Gly311fs (NM_002908.4); short protein forms G311fs.
Identifiers: ClinVar variation 2781196 (VCV002781196.3), dbSNP rs746603120, ClinGen allele CA1672359.
Genomic context (GRCh38, chr2:60,920,389, plus strand): 5'-TAGCTGAGATTACAGGCATGTGCCACCACACCCGGCTAATTTTTGTATTTTTAGTAGAAA[CAG>C]GGTTTCGCCATGTTGACCAGGATGGTCTTGAACTCCTGACATCAGGTGATCCACCCACCT-3'